The following is an entry in ClinVar:

ClinVar aggregate classification (germline): Uncertain significance. Review status: criteria provided, multiple submitters, no conflicts (2 of 4 stars). 4 submissions from 4 submitters: Uncertain significance (3). 1 of the submissions does not count toward it. Last evaluated 2022-07-26.

Conditions:
Myopathy, myofibrillar, 9, with early respiratory failure (MFM9). Also called: EDSTROM MYOPATHY; MYOPATHY, PROXIMAL, WITH EARLY RESPIRATORY MUSCLE INVOLVEMENT; Myopathy, distal, with early respiratory failure, autosomal dominant; Hereditary myopathy with early respiratory failure. Identifiers: Orphanet 178464, Orphanet 34521, MedGen C1863599, MONDO:0011362, OMIM 603689.
Early-onset myopathy with fatal cardiomyopathy (CMYO5). Also called: CONGENITAL MYOPATHY 5 WITH CARDIOMYOPATHY; Salih Myopathy. Identifiers: Orphanet 289377, MedGen C2673677, MONDO:0012714, OMIM 611705. Disease mechanism: loss of function.
Hypertrophic cardiomyopathy 9. Also called: Familial hypertrophic cardiomyopathy 9. Identifiers: MedGen C1861065, MONDO:0013412, OMIM 613765.
Dilated cardiomyopathy 1G (CMD1G). Identifiers: Orphanet 154, MedGen C1858763, MONDO:0011400, OMIM 604145.
Tibial muscular dystrophy (TMD). Also called: UDD MYOPATHY; Tibial muscular dystrophy, tardive; Udd Distal Myopathy – Tibial Muscular Dystrophy. Identifiers: Orphanet 609, MedGen C1838244, MONDO:0010870, OMIM 600334.
Autosomal recessive limb-girdle muscular dystrophy type 2J (LGMDR10). Also called: MUSCULAR DYSTROPHY, LIMB-GIRDLE, AUTOSOMAL RECESSIVE 10; Limb-girdle muscular dystrophy, type 2J. Identifiers: Orphanet 140922, MedGen C1837342, MONDO:0012127, OMIM 608807.

Allele frequency attached by ClinVar (database versions not stated): gnomAD 0.00001; ExAC 0.00003; gnomAD exomes 0.00004 and 0.00007; TOPMed 0.00005; 1000 Genomes Project 30x 0.00016; 1000 Genomes Project 0.00020.
gnomAD v4.1: 27 of 1,610,846 alleles (0.0017%); highest among the groups gnomAD compares: Admixed American, 0.045%; no homozygotes.

Submissions (4):

Revvity Omics, Revvity
Classification: Uncertain significance. Last evaluated: 2022-07-26. Review status: criteria provided, single submitter. Criteria: ACMG Guidelines, 2015. Collection method: clinical testing. Allele origin: germline.

Fulgent Genetics
Classification: Uncertain significance for Tibial muscular dystrophy; Myopathy, myofibrillar, 9, with early respiratory failure; Dilated cardiomyopathy 1G; Autosomal recessive limb-girdle muscular dystrophy type 2J; Early-onset myopathy with fatal cardiomyopathy; Hypertrophic cardiomyopathy 9. Last evaluated: 2021-11-15. Review status: criteria provided, single submitter. Criteria: ACMG Guidelines, 2015. Collection method: clinical testing. Allele origin: unknown.

Eurofins Ntd Llc (ga)
Classification: Uncertain significance. Last evaluated: 2014-09-08. Review status: criteria provided, single submitter. Criteria: EGL Classification Definitions 2015. Collection method: clinical testing. Allele origin: germline. Observed: 1 variant allele, 1 heterozygote.

GeneDx
No classification provided. Last evaluated: 2013-06-03. Review status: no classification provided. Criteria: GeneDx Variant Classification (06012015). Collection method: clinical testing. Allele origin: germline. Affected: yes. Not counted in ClinVar's aggregate classification.
Comment: Missense variants in the TTN gene are considered 'unclassified' if they are not previously reported in the literature and do not have >1% frequency in the population to be considered a polymorphism. Research indicates that truncating mutations in the TTN gene are expected to account for approximately 25% of familial and 18% of sporadic idiopathic DCM; however, truncating variants in the TTN gene have been reported in approximately 3% of reported control alleles. There has been little investigation into non-truncating variants. (Herman D et al. Truncations of titin causing dilated cardiomyopathy. N Eng J Med 366:619-628, 2012) The variant is found in DCM panel(s).

NM_001267550.2(TTN):c.32090C>T (p.Pro10697Leu)

Gene: TTN (titin; minus strand). Cytogenetic location: 2q31.2.
Variant type: single nucleotide variant.
Coding change: c.32090C>T on transcript NM_001267550.2 (MANE Select); coding-DNA position 32090, C replaced by T.
Protein change: p.Pro10697Leu; replaces proline 10697 with leucine.
Molecular consequence: missense variant. On other transcripts: intron variant (3).
Genome position (GRCh38, 1-based): chr2:178,689,058, G>A on the plus strand (C>T on the coding strand, the complement: TTN is on the minus strand). VCF-style: chr2-178689058-G-A. GRCh37 (hg19) VCF-style: chr2-179553785-G-A.
Other names: p.P10380L:CCC>CTC; c.31139C>T, p.Pro10380Leu (NM_001256850.1); c.28358C>T, p.Pro9453Leu (NM_133378.4); c.13283-46741C>T (NM_003319.4); c.13859-46741C>T (NM_133437.4); c.13658-46741C>T (NM_133432.3); short protein forms P10697L, P10380L, P9453L.
Identifiers: ClinVar variation 194143 (VCV000194143.9), dbSNP rs573756163, ClinGen allele CA302737.